The following is an entry in ClinVar:

NM_001267550.2(TTN):c.1565T>C (p.Val522Ala)

Gene: TTN (titin; minus strand). Cytogenetic location: 2q31.2.
Variant type: single nucleotide variant.
Coding change: c.1565T>C on transcript NM_001267550.2 (MANE Select); coding-DNA position 1565, T replaced by C.
Protein change: p.Val522Ala; replaces valine 522 with alanine.
Molecular consequence: missense variant.
Genome position (GRCh38, 1-based): chr2:178,792,169, A>G on the plus strand (T>C on the coding strand, the complement: TTN is on the minus strand). VCF-style: chr2-178792169-A-G. GRCh37 (hg19) VCF-style: chr2-179656896-A-G.
Other names: c.1565T>C, p.Val522Ala (NM_001256850.1, NM_133378.4, NM_133379.5 and 3 more transcripts); short protein forms V522A.
Identifiers: ClinVar variation 518625 (VCV000518625.6), dbSNP rs752904431, ClinGen allele CA2006010.

ClinVar aggregate classification (germline): Uncertain significance. Review status: criteria provided, multiple submitters, no conflicts (2 of 4 stars). 2 submissions from 2 submitters: Uncertain significance (2). Last evaluated 2026-09-01.

Conditions:
Cardiovascular phenotype. Identifiers: MedGen CN230736.

Allele frequency attached by ClinVar (database versions not stated): TOPMed below 0.00001; ExAC 0.00001; gnomAD 0.00001; gnomAD exomes 0.00001.
gnomAD v4.1: 13 of 1,608,602 alleles (0.00081%); highest among the groups gnomAD compares: Non-Finnish European, 0.001%; no homozygotes.

Submissions (2):

CeGaT Center for Human Genetics Tuebingen
Classification: Uncertain significance. Last evaluated: 2026-09-01. Review status: criteria provided, single submitter. Criteria: CeGaT Center For Human Genetics Tuebingen Variant Classification Criteria Version 2. Collection method: clinical testing. Allele origin: germline. Affected: yes. Observed: 1 variant allele.
Comment: TTN: PM2

Ambry Genetics
Classification: Uncertain significance for Cardiovascular phenotype. Last evaluated: 2017-02-03. Review status: criteria provided, single submitter. Criteria: Ambry Variant Classification Scheme 2023. Collection method: clinical testing. Allele origin: germline.
Comment: The p.V522A variant (also known as c.1565T>C), located in coding exon 9 of the TTN gene, results from a T to C substitution at nucleotide position 1565. The valine at codon 522 is replaced by alanine, an amino acid with similar properties. This amino acid position is highly conserved in available vertebrate species. In addition, the in silico prediction for this alteration is inconclusive. Since supporting evidence is limited at this time, the clinical significance of this alteration remains unclear.